The following is an entry in ClinVar:

NM_001556.3(IKBKB):c.1120G>A (p.Gly374Ser)

Gene: IKBKB (inhibitor of nuclear factor kappa B kinase subunit beta; plus strand). Cytogenetic location: 8p11.21.
Variant type: single nucleotide variant.
Coding change: c.1120G>A on transcript NM_001556.3 (MANE Select); coding-DNA position 1120, G replaced by A.
Protein change: p.Gly374Ser; replaces glycine 374 with serine.
Molecular consequence: missense variant. On other transcripts: non-coding transcript variant (3).
Genome position (GRCh38, 1-based): chr8:42,316,899, G>A. VCF-style: chr8-42316899-G-A. GRCh37 (hg19) VCF-style: chr8-42174417-G-A.
Other names: c.928G>A, p.Gly310Ser (NM_001190720.3); c.943G>A, p.Gly315Ser (NM_001242778.2); short protein forms G315S, G374S, G310S.
Identifiers: ClinVar variation 856696 (VCV000856696.7), dbSNP rs758806135, ClinGen allele CA4731883.

ClinVar aggregate classification (germline): Conflicting classifications of pathogenicity. Review status: criteria provided, conflicting classifications (1 of 4 stars). 2 submissions from 2 submitters: Uncertain significance (1); Likely benign (1). Last evaluated 2024-04-23.

Conditions:
Inborn genetic diseases. Identifiers: MedGen C0950123, MeSH D030342.
Severe combined immunodeficiency due to IKK2 deficiency. Also called: Immunodeficiency 15; IMMUNODEFICIENCY 15B. Identifiers: Orphanet 397787, MedGen C4747743, MONDO:0014267, OMIM 615592.

Allele frequency attached by ClinVar (database versions not stated): TOPMed 0.00001.
gnomAD v4.1: 19 of 1,613,866 alleles (0.0012%); highest among the groups gnomAD compares: African/African-American, 0.0093%; no homozygotes.

Submissions (2):

Labcorp Genetics (formerly Invitae), Labcorp
Classification: Uncertain significance for Severe combined immunodeficiency due to IKK2 deficiency. Last evaluated: 2024-04-23. Review status: criteria provided, single submitter. Criteria: Invitae Variant Classification Sherloc (09022015). Collection method: clinical testing. Allele origin: germline.
Comment: This sequence change replaces glycine, which is neutral and non-polar, with serine, which is neutral and polar, at codon 374 of the IKBKB protein (p.Gly374Ser). This variant is present in population databases (rs758806135, gnomAD 0.01%). This variant has not been reported in the literature in individuals affected with IKBKB-related conditions. ClinVar contains an entry for this variant (Variation ID: 856696). Advanced modeling of protein sequence and biophysical properties (such as structural, functional, and spatial information, amino acid conservation, physicochemical variation, residue mobility, and thermodynamic stability) performed at Invitae indicates that this missense variant is not expected to disrupt IKBKB protein function with a negative predictive value of 95%. In summary, the available evidence is currently insufficient to determine the role of this variant in disease. Therefore, it has been classified as a Variant of Uncertain Significance.

Ambry Genetics
Classification: Likely benign for Inborn genetic diseases. Last evaluated: 2023-11-17. Review status: criteria provided, single submitter. Criteria: Ambry Variant Classification Scheme 2023. Collection method: clinical testing. Allele origin: germline.